The following is an entry in ClinVar:

NM_006231.4(POLE):c.5350G>A (p.Glu1784Lys)

Gene: POLE (DNA polymerase epsilon, catalytic subunit; minus strand). Cytogenetic location: 12q24.33.
Variant type: single nucleotide variant.
Coding change: c.5350G>A on transcript NM_006231.4 (MANE Select); coding-DNA position 5350, G replaced by A.
Protein change: p.Glu1784Lys; replaces glutamic acid 1784 with lysine.
Molecular consequence: missense variant.
Genome position (GRCh38, 1-based): chr12:132,641,675, C>T on the plus strand (G>A on the coding strand, the complement: POLE is on the minus strand). VCF-style: chr12-132641675-C-T. GRCh37 (hg19) VCF-style: chr12-133218261-C-T.
Other names: c.5350G>A (NM_006231.2); short protein forms E1784K.
Identifiers: ClinVar variation 473726 (VCV000473726.11), dbSNP rs1555222266, ClinGen allele CA387375780.
Genomic context (GRCh38, chr12:132,641,675, plus strand): 5'-TTAGTAACACTCCTTCCCAGAGAGGGTGGCACCTGAAGGTGTTAGAGCACAGGGCTGTCT[C>T]ATCGTAGCTGGCCGGGGCACTGGCAGCCTGACCACCCGTGATCATGTCCTCCAGGGAGGC-3'
Protein context (NP_006222.2, residues 1774-1794): QAASAPASYD[Glu1784Lys]TALCSNTFRI

ClinVar aggregate classification (germline): Uncertain significance. Review status: criteria provided, multiple submitters, no conflicts (2 of 4 stars). 2 submissions from 2 submitters: Uncertain significance (2). Last evaluated 2025-10-26.

Conditions:
Hereditary cancer-predisposing syndrome. Also called: Neoplastic Syndromes, Hereditary; Tumor predisposition; Hereditary Cancer Syndrome; Hereditary neoplastic syndrome. Identifiers: Orphanet 140162, MedGen C0027672, MeSH D009386, MONDO:0015356.

Submissions (2):

Ambry Genetics
Classification: Uncertain significance for Hereditary cancer-predisposing syndrome. Last evaluated: 2025-10-26. Review status: criteria provided, single submitter. Criteria: Ambry Variant Classification Scheme 2023. Collection method: clinical testing. Allele origin: germline.
Comment: The p.E1784K variant (also known as c.5350G>A), located in coding exon 39 of the POLE gene, results from a G to A substitution at nucleotide position 5350. The glutamic acid at codon 1784 is replaced by lysine, an amino acid with similar properties. This amino acid position is conserved. In addition, this alteration is predicted to be deleterious by in silico analysis. Since supporting evidence is limited at this time, the clinical significance of this alteration remains unclear.

Labcorp Genetics (formerly Invitae), Labcorp
Classification: Uncertain significance. Last evaluated: 2017-06-21. Review status: criteria provided, single submitter. Criteria: Invitae Variant Classification Sherloc (09022015). Collection method: clinical testing. Allele origin: germline.
Comment: This variant is not present in population databases (ExAC no frequency). This sequence change replaces glutamic acid with lysine at codon 1784 of the POLE protein (p.Glu1784Lys). The glutamic acid residue is highly conserved and there is a small physicochemical difference between glutamic acid and lysine. This variant has not been reported in the literature in individuals with a POLE-related disease. In summary, this variant has uncertain impact on POLE function. The available evidence is currently insufficient to determine its role in disease. Therefore, it has been classified as a Variant of Uncertain Significance.